The following is an entry in ClinVar:

NM_006182.4(DDR2):c.847A>G (p.Thr283Ala)

Gene: DDR2 (discoidin domain receptor tyrosine kinase 2; plus strand). Cytogenetic location: 1q23.3.
Variant type: single nucleotide variant.
Coding change: c.847A>G on transcript NM_006182.4 (MANE Select); coding-DNA position 847, A replaced by G.
Protein change: p.Thr283Ala; replaces threonine 283 with alanine.
Molecular consequence: missense variant.
Genome position (GRCh38, 1-based): chr1:162,759,971, A>G. VCF-style: chr1-162759971-A-G. GRCh37 (hg19) VCF-style: chr1-162729761-A-G.
Other names: c.847A>G, p.Thr283Ala (NM_001014796.3, NM_001354982.2, NM_001354983.2); short protein forms T283A.
Identifiers: ClinVar variation 1949207 (VCV001949207.5), dbSNP rs2526838512, ClinGen allele CA343408649.

ClinVar aggregate classification (germline): Uncertain significance (1 of 4 stars; one submission).

Submission:

Labcorp Genetics (formerly Invitae), Labcorp
Classification: Uncertain significance. Last evaluated: 2022-04-29. Review status: criteria provided, single submitter. Criteria: Invitae Variant Classification Sherloc (09022015). Collection method: clinical testing. Allele origin: germline.
Comment: This sequence change replaces threonine, which is neutral and polar, with alanine, which is neutral and non-polar, at codon 283 of the DDR2 protein (p.Thr283Ala). This variant is not present in population databases (gnomAD no frequency). This variant has not been reported in the literature in individuals affected with DDR2-related conditions. Algorithms developed to predict the effect of missense changes on protein structure and function are either unavailable or do not agree on the potential impact of this missense change (SIFT: "Deleterious"; PolyPhen-2: "Benign"; Align-GVGD: "Class C0"). In summary, the available evidence is currently insufficient to determine the role of this variant in disease. Therefore, it has been classified as a Variant of Uncertain Significance.